The following is an entry in ClinVar:

ClinVar aggregate classification (germline): Uncertain significance (1 of 4 stars; one submission).

Submission:

Mayo Clinic Laboratories, Mayo Clinic
Classification: Uncertain significance. Last evaluated: 2024-11-19. Review status: criteria provided, single submitter. Criteria: ACMG Guidelines, 2015. Collection method: clinical testing. Allele origin: germline. Observed: 1 variant allele.
Comment: BP4, PM2_supporting

NM_001355436.2(SPTB):c.2962G>T (p.Ala988Ser)

Gene: SPTB (spectrin beta, erythrocytic; minus strand). Cytogenetic location: 14q23.3.
Variant type: single nucleotide variant.
Coding change: c.2962G>T on transcript NM_001355436.2 (MANE Select); coding-DNA position 2962, G replaced by T.
Protein change: p.Ala988Ser; replaces alanine 988 with serine.
Molecular consequence: missense variant.
Genome position (GRCh38, 1-based): chr14:64,787,003, C>A on the plus strand (G>T on the coding strand, the complement: SPTB is on the minus strand). VCF-style: chr14-64787003-C-A. GRCh37 (hg19) VCF-style: chr14-65253721-C-A.
Other names: p.Ala988Ser; c.2962G>T, p.Ala988Ser (NM_001024858.4, NM_001355437.2); short protein forms A988S.
Identifiers: ClinVar variation 4541854 (VCV004541854.1).